The following is an entry in ClinVar:

ClinVar aggregate classification (germline): Uncertain significance. Review status: criteria provided, multiple submitters, no conflicts (2 of 4 stars). 2 submissions from 2 submitters: Uncertain significance (2). Last evaluated 2022-09-19.

Conditions:
RYR1-related disorder. Also called: RYR1-related disorders; RYR1-related condition. Identifiers: MedGen CN239331.

Submissions (2):

Labcorp Genetics (formerly Invitae), Labcorp
Classification: Uncertain significance for RYR1-related disorder. Last evaluated: 2022-09-19. Review status: criteria provided, single submitter. Criteria: Invitae Variant Classification Sherloc (09022015). Collection method: clinical testing. Allele origin: germline.
Comment: In summary, the available evidence is currently insufficient to determine the role of this variant in disease. Therefore, it has been classified as a Variant of Uncertain Significance. Advanced modeling of protein sequence and biophysical properties (such as structural, functional, and spatial information, amino acid conservation, physicochemical variation, residue mobility, and thermodynamic stability) performed at Invitae indicates that this missense variant is expected to disrupt RYR1 protein function. ClinVar contains an entry for this variant (Variation ID: 836092). This variant has not been reported in the literature in individuals affected with RYR1-related conditions. This variant is not present in population databases (gnomAD no frequency). This sequence change replaces tryptophan, which is neutral and slightly polar, with leucine, which is neutral and non-polar, at codon 2766 of the RYR1 protein (p.Trp2766Leu).

GeneDx
Classification: Uncertain significance. Last evaluated: 2019-12-23. Review status: criteria provided, single submitter. Criteria: GeneDx Variant Classification Process June 2021. Collection method: clinical testing. Allele origin: germline. Affected: yes.
Comment: Not observed in large population cohorts (Lek et al., 2016); In silico analysis, which includes protein predictors and evolutionary conservation, supports a deleterious effect; Has not been previously published as pathogenic or benign to our knowledge

NM_000540.3(RYR1):c.8297G>T (p.Trp2766Leu)

Gene: RYR1 (ryanodine receptor 1; plus strand). Cytogenetic location: 19q13.2.
Variant type: single nucleotide variant.
Coding change: c.8297G>T on transcript NM_000540.3 (MANE Select); coding-DNA position 8297, G replaced by T.
Protein change: p.Trp2766Leu; replaces tryptophan 2766 with leucine.
Molecular consequence: missense variant.
Genome position (GRCh38, 1-based): chr19:38,505,068, G>T. VCF-style: chr19-38505068-G-T. GRCh37 (hg19) VCF-style: chr19-38995708-G-T.
Other names: c.8297G>T, p.Trp2766Leu (NM_001042723.2); short protein forms W2766L.
Identifiers: ClinVar variation 836092 (VCV000836092.11), dbSNP rs1970379492, ClinGen allele CA405677254.